The following is an entry in ClinVar:

NM_000812.4(GABRB1):c.806A>G (p.Tyr269Cys)

Gene: GABRB1 (gamma-aminobutyric acid type A receptor subunit beta1; plus strand). Cytogenetic location: 4p12.
Variant type: single nucleotide variant.
Coding change: c.806A>G on transcript NM_000812.4 (MANE Select); coding-DNA position 806, A replaced by G.
Protein change: p.Tyr269Cys; replaces tyrosine 269 with cysteine.
Molecular consequence: missense variant.
Genome position (GRCh38, 1-based): chr4:47,403,682, A>G. VCF-style: chr4-47403682-A-G. GRCh37 (hg19) VCF-style: chr4-47405699-A-G.
Other names: short protein forms Y269C.
Identifiers: ClinVar variation 3773886 (VCV003773886.1).
Genomic context (GRCh38, chr4:47,403,682, plus strand): 5'-AAACCTACATGCCTTCTACACTGATTACAATTCTGTCCTGGGTGTCTTTTTGGATCAACT[A>G]TGATGCATCTGCAGCCAGAGTCGCACTAGGTAATACATTCTCAGCACTGCAGAGAGCTAA-3'
Protein context (NP_000803.2, residues 259-279): ILSWVSFWIN[Tyr269Cys]DASAARVALG

ClinVar aggregate classification (germline): Uncertain significance (1 of 4 stars; one submission).

gnomAD v4.1: 2 of 1,613,510 alleles (0.00012%); highest among the groups gnomAD compares: African/African-American, 0.0027%; no homozygotes.

Submission:

GeneDx
Classification: Uncertain significance. Last evaluated: 2024-09-22. Review status: criteria provided, single submitter. Criteria: GeneDx Variant Classification Process June 2021. Collection method: clinical testing. Allele origin: germline. Affected: yes.
Comment: Not observed at significant frequency in large population cohorts (gnomAD); In silico analysis supports that this missense variant has a deleterious effect on protein structure/function; Has not been previously published as pathogenic or benign to our knowledge